The following is an entry in ClinVar:

NM_000512.5(GALNS):c.1175C>T (p.Ala392Val)

Gene: GALNS (galactosamine (N-acetyl)-6-sulfatase; minus strand). Cytogenetic location: 16q24.3.
Variant type: single nucleotide variant.
Coding change: c.1175C>T on transcript NM_000512.5 (MANE Select); coding-DNA position 1175, C replaced by T.
Protein change: p.Ala392Val; replaces alanine 392 with valine.
Molecular consequence: missense variant.
Genome position (GRCh38, 1-based): chr16:88,824,834, G>A on the plus strand (C>T on the coding strand, the complement: GALNS is on the minus strand). VCF-style: chr16-88824834-G-A. GRCh37 (hg19) VCF-style: chr16-88891242-G-A.
Other names: c.620C>T, p.Ala207Val (NM_001323543.2); c.1193C>T, p.Ala398Val (NM_001323544.2); short protein forms A392V, A207V, A398V.
Identifiers: ClinVar variation 93163 (VCV000093163.25), dbSNP rs398123430, ClinGen allele CA221042.

ClinVar aggregate classification (germline): Pathogenic. Review status: criteria provided, multiple submitters, no conflicts (2 of 4 stars). 10 submissions from 10 submitters: Pathogenic (10). Last evaluated 2026-06-01.

Conditions:
GALNS-related disorder. Also called: GALNS-related condition.
Mucopolysaccharidosis, MPS-IV-A (MPS4A). Also called: MPS IVA; Mucopolysaccharidosis Type IVA; Morquio syndrome A, mild; MORQUIO A DISEASE; mucopolysaccharidosis type 4A; Mucopolysaccharidosis type IV A. Identifiers: Orphanet 309297, Orphanet 582, MedGen C0086651, MONDO:0009659, OMIM 253000.

Allele frequency attached by ClinVar (database versions not stated): TOPMed below 0.00001; gnomAD 0.00001; gnomAD exomes 0.00001 and 0.00003; ExAC 0.00004.
gnomAD v4.1: 15 of 1,613,262 alleles (0.00093%); highest among the groups gnomAD compares: South Asian, 0.012%; no homozygotes.

Submissions (10):

PreventionGenetics, part of Exact Sciences
Classification: Pathogenic for GALNS-related condition. Last evaluated: 2026-06-01. Review status: criteria provided, single submitter. Criteria: ACMG Guidelines, 2015. Collection method: clinical testing. Allele origin: germline.
Comment: The GALNS c.1175C>T variant is predicted to result in the amino acid substitution p.Ala392Val. This variant has been reported in the homozygous state and with an additional GALNS variant in multiple individuals with clinical and biochemical characteristics consistent with mucopolysaccharidosis IVa (MPS IVa, Tomatsu et al. 2004. PubMed ID: 15241807; He et al. 2013. PubMed ID: 24035930; Morrone et al. 2014. PubMed ID: 24726177; Caciotti et al. 2015. PubMed ID: 25545067; Yi et al. 2022. PubMed ID: 35212421). In vitro assays consistently demonstrate this variant results in severely reduced GALNS enzyme activity compared to wild-type (He et al. 2013. PubMed ID: 24035930; Morrone et al. 2014. PubMed ID: 24726177; Bidchol et al. 2014. PubMed ID: 25252036). This variant is reported in 0.016% of alleles in individuals of South Asian descent in gnomAD, and it is interpreted as pathogenic in the ClinVar database (Variation ID: 93163). Given the evidence, this variant is interpreted as pathogenic.

Labcorp Genetics (formerly Invitae), Labcorp
Classification: Pathogenic for Mucopolysaccharidosis, MPS-IV-A. Last evaluated: 2025-11-17. Review status: criteria provided, single submitter. Criteria: Invitae Variant Classification Sherloc (09022015). Collection method: clinical testing. Allele origin: germline.
Comment: This sequence change replaces alanine, which is neutral and non-polar, with valine, which is neutral and non-polar, at codon 392 of the GALNS protein (p.Ala392Val). This variant is present in population databases (rs398123430, gnomAD 0.02%). This missense change has been observed in individual(s) with mucopolysaccharidosis type IVA (PMID: 15241807, 24035930). ClinVar contains an entry for this variant (Variation ID: 93163). Invitae Evidence Modeling of protein sequence and biophysical properties (such as structural, functional, and spatial information, amino acid conservation, physicochemical variation, residue mobility, and thermodynamic stability) indicates that this missense variant is expected to disrupt GALNS protein function with a positive predictive value of 95%. For these reasons, this variant has been classified as Pathogenic.

Genomic Medicine Center of Excellence, King Faisal Specialist Hospital and Research Centre
Classification: Pathogenic for Mucopolysaccharidosis, MPS-IV-A. Last evaluated: 2024-03-29. Review status: criteria provided, single submitter. Criteria: ACMG Guidelines, 2015. Collection method: clinical testing. Allele origin: germline.

Fulgent Genetics
Classification: Pathogenic for Mucopolysaccharidosis, MPS-IV-A. Last evaluated: 2024-02-20. Review status: criteria provided, single submitter. Criteria: ACMG Guidelines, 2015. Collection method: clinical testing. Allele origin: germline.

Neuberg Centre For Genomic Medicine, NCGM
Classification: Pathogenic for Mucopolysaccharidosis, MPS-IV-A. Last evaluated: 2023-06-22. Review status: criteria provided, single submitter. Criteria: ACMG Guidelines, 2015. Collection method: clinical testing. Allele origin: germline. Inheritance: Autosomal recessive inheritance. Affected: yes.
Comment: The missense c.1175C>T(p.Ala39 Val) variant in GALNS gene has been reported previously in homozygous and compound heterozygous states in multiple individuals affected with Mucopolysaccharid sis IVA (Tomatsu S, et al., 2004; Bidchol AM, et al., 2014; He D, et al., 2013). The p.Ala392Val variant is present with allele frequency of 0.003% in the gnomAD Exomes. This variant has been submitted to the ClinVar database as Pathogenic (multiple submissions). Multiple lines of computational evidence (Polyphen - Damaging, SIFT - Damaging and MutationTaster - Disease causing) predict a damaging effect on protein structure and function for this variant. The reference amino acid at this position on GALNS gene is predicted as conserved by GERP++ and PhyloP across 100 vertebrates. The amino acid Alanine at position 392 is changed to a Valine changing protein sequence and it might alter its composition and physico-chemical properties. For these reasons, this variant has been classified as Pathogenic. In the absence of another reportable variant in GALNS gene, the molecular diagnosis is not confirmed.

Foundation for Research in Genetics and Endocrinology, FRIGE's Institute of Human Genetics
Classification: Pathogenic for Mucopolysaccharidosis, MPS-IV-A. Last evaluated: 2022-08-08. Review status: criteria provided, single submitter. Criteria: ACMG Guidelines, 2015. Collection method: clinical testing. Allele origin: germline. Inheritance: Autosomal recessive inheritance. Affected: yes. Observed: 2 compound heterozygotes. Clinical features observed: Mild postnatal growth retardation (HP:0001530), Abnormality of the skeletal system (HP:0000924), Short stature (HP:0004322), Platyspondyly (HP:0000926), Hypotonia (HP:0001252).
Comment: A compound heterozygous missense variation in exon 11 of the GALNS gene that results in the amino acid substitution of Valine for Alanine at codon 392 was detected. The observed variantc.1175C>T(p.Ala392Val) has not been reported in the 1000 genomes and has a MAF of 0.003% in the gnomAD databases . The in silico prediction of the variant are possibly damaging by Mutation Taster ,LRT ,MutPred ,FATHMM-MKL, MVP and SIFT. The reference codon is conserved across species. Therefore, the variant meets our criteria to be classified as pathogenic based on absence from controls and in silico prediction models.

3billion
Classification: Pathogenic for Mucopolysaccharidosis, MPS-IV-A. Last evaluated: 2022-03-22. Review status: criteria provided, single submitter. Criteria: ACMG Guidelines, 2015. Collection method: clinical testing. Allele origin: germline. Affected: yes. Observed: 1 homozygote.
Comment: Same nucleotide change resulting in same amino acid change has been previously reported as pathogenic/likely pathogenic (ClinVar ID: VCV000093163). In silico tool predictions suggest damaging effect of the variant on gene or gene product(REVEL: 0.932>=0.6, 3CNET: 0.93>=0.75). A missense variant is a common mechanism. The variant is observed at an extremely low frequency in the gnomAD v2.1.1 dataset (total allele frequency: 0.0000319). Therefore, this variant is classified as pathogenic according to the recommendation of ACMG/AMP guideline.

Genome-Nilou Lab
Classification: Pathogenic for Mucopolysaccharidosis, MPS-IV-A. Last evaluated: 2021-11-07. Review status: criteria provided, single submitter. Criteria: ACMG Guidelines, 2015. Collection method: clinical testing. Allele origin: germline. Affected: no.

Laboratory of Diagnosis and Therapy of Lysosomal Disorders, University of Padova
Classification: Pathogenic for Mucopolysaccharidosis, MPS-IV-A. Last evaluated: 2021-02-01. Review status: criteria provided, single submitter. Criteria: ACMG Guidelines, 2015. Collection method: research. Allele origin: germline. Affected: yes.
Comment: In vivo functional studies supportive of a damaging effect on the gene product (low to null enzymatic activity in homozygotes; PS3_strong); the prevalence of the variant in affected individuals is significantly increased compared with the prevalence in controls (PS4_strong); very low frequency in gnomAD v2.1.1 (PM2_moderate); multiple lines of computational evidence support a deleterious effect on the gene (PP3_supporting)

Eurofins Ntd Llc (ga)
Classification: Pathogenic. Last evaluated: 2013-03-28. Review status: criteria provided, single submitter. Criteria: EGL Classification Definitions. Collection method: clinical testing. Allele origin: germline. Observed: 1 variant allele, 1 heterozygote.

Literature cited by the submitters: PubMed 15241807 (cited by Labcorp Genetics (formerly Invitae), Labcorp and Laboratory of Diagnosis and Therapy of Lysosomal Disorders, University of Padova); PubMed 24035930 (cited by Labcorp Genetics (formerly Invitae), Labcorp and Laboratory of Diagnosis and Therapy of Lysosomal Disorders, University of Padova); PubMed 16287098 (cited by Laboratory of Diagnosis and Therapy of Lysosomal Disorders, University of Padova); PubMed 24726177 (cited by Laboratory of Diagnosis and Therapy of Lysosomal Disorders, University of Padova); PubMed 25252036 (cited by Laboratory of Diagnosis and Therapy of Lysosomal Disorders, University of Padova); PubMed 25545067 (cited by Laboratory of Diagnosis and Therapy of Lysosomal Disorders, University of Padova); PubMed 26147980 (cited by Laboratory of Diagnosis and Therapy of Lysosomal Disorders, University of Padova); PubMed 34387910 (cited by Laboratory of Diagnosis and Therapy of Lysosomal Disorders, University of Padova).